The following is an entry in ClinVar:

NM_000142.5(FGFR3):c.1315C>G (p.Arg439Gly)

Gene: FGFR3 (fibroblast growth factor receptor 3; plus strand). Cytogenetic location: 4p16.3.
Variant type: single nucleotide variant.
Coding change: c.1315C>G on transcript NM_000142.5 (MANE Select); coding-DNA position 1315, C replaced by G.
Protein change: p.Arg439Gly; replaces arginine 439 with glycine.
Molecular consequence: missense variant. On other transcripts: non-coding transcript variant (1).
Genome position (GRCh38, 1-based): chr4:1,804,872, C>G. VCF-style: chr4-1804872-C-G. GRCh37 (hg19) VCF-style: chr4-1806599-C-G.
Other names: c.1321C>G, p.Arg441Gly (NM_001163213.2); c.1318C>G, p.Arg440Gly (NM_001354809.2, NM_001354810.2); c.979C>G, p.Arg327Gly (NM_022965.4); short protein forms R327G, R439G, R440G, R441G.
Identifiers: ClinVar variation 1328833 (VCV001328833.3), dbSNP rs749083353, ClinGen allele CA91254508.

ClinVar aggregate classification (germline): Uncertain significance. Review status: criteria provided, multiple submitters, no conflicts (2 of 4 stars). 2 submissions from 2 submitters: Uncertain significance (2). Last evaluated 2025-03-26.

gnomAD v4.1: 51 of 1,550,172 alleles (0.0033%); highest among the groups gnomAD compares: Non-Finnish European, 0.0044%; no homozygotes.

Submissions (2):

Labcorp Genetics (formerly Invitae), Labcorp
Classification: Uncertain significance. Last evaluated: 2025-03-26. Review status: criteria provided, single submitter. Criteria: Invitae Variant Classification Sherloc (09022015). Collection method: clinical testing. Allele origin: germline.
Comment: This sequence change replaces arginine, which is basic and polar, with glycine, which is neutral and non-polar, at codon 439 of the FGFR3 protein (p.Arg439Gly). This variant is not present in population databases (gnomAD no frequency). This variant has not been reported in the literature in individuals affected with FGFR3-related conditions. ClinVar contains an entry for this variant (Variation ID: 1328833). Invitae Evidence Modeling of protein sequence and biophysical properties (such as structural, functional, and spatial information, amino acid conservation, physicochemical variation, residue mobility, and thermodynamic stability) has been performed for this missense variant. However, the output from this modeling did not meet the statistical confidence thresholds required to predict the impact of this variant on FGFR3 protein function. In summary, the available evidence is currently insufficient to determine the role of this variant in disease. Therefore, it has been classified as a Variant of Uncertain Significance.

GeneDx
Classification: Uncertain significance. Last evaluated: 2021-06-16. Review status: criteria provided, single submitter. Criteria: GeneDx Variant Classification Process June 2021. Collection method: clinical testing. Allele origin: germline. Affected: yes.
Comment: Not observed at significant frequency in large population cohorts (Lek et al., 2016); Splice predictors and evolutionary conservation are inconclusive as to whether the variant alters gene splicing; in the absence of RNA/functional studies, the actual effect of this sequence change is unknown; In silico analysis supports that this missense variant has a deleterious effect on protein structure/function; Has not been previously published as pathogenic or benign to our knowledge; This variant is associated with the following publications: (PMID: 27535533)